The following is an entry in ClinVar:

ClinVar aggregate classification (germline): Conflicting classifications of pathogenicity. Review status: criteria provided, conflicting classifications (1 of 4 stars). 11 submissions from 7 submitters: Uncertain significance (3); Benign (4); Likely benign (3). 1 of the submissions does not count toward it. Last evaluated 2026-01-31.

Conditions:
TTN-related disorder. Also called: TTN-related disorders; TTN-related condition; TTN-related disease.
Dilated cardiomyopathy 1G (CMD1G). Identifiers: Orphanet 154, MedGen C1858763, MONDO:0011400, OMIM 604145.
Autosomal recessive limb-girdle muscular dystrophy type 2J (LGMDR10). Also called: Limb-girdle muscular dystrophy, type 2J; MUSCULAR DYSTROPHY, LIMB-GIRDLE, AUTOSOMAL RECESSIVE 10. Identifiers: Orphanet 140922, MedGen C1837342, MONDO:0012127, OMIM 608807.
Early-onset myopathy with fatal cardiomyopathy (CMYO5). Also called: Salih Myopathy; CONGENITAL MYOPATHY 5 WITH CARDIOMYOPATHY. Identifiers: Orphanet 289377, MedGen C2673677, MONDO:0012714, OMIM 611705. Disease mechanism: loss of function.
Tibial muscular dystrophy (TMD). Also called: Tibial muscular dystrophy, tardive; Udd Distal Myopathy – Tibial Muscular Dystrophy; UDD MYOPATHY. Identifiers: Orphanet 609, MedGen C1838244, MONDO:0010870, OMIM 600334.
Myopathy, myofibrillar, 9, with early respiratory failure (MFM9). Also called: Hereditary myopathy with early respiratory failure; Myopathy, distal, with early respiratory failure, autosomal dominant; EDSTROM MYOPATHY; MYOPATHY, PROXIMAL, WITH EARLY RESPIRATORY MUSCLE INVOLVEMENT. Identifiers: Orphanet 178464, Orphanet 34521, MedGen C1863599, MONDO:0011362, OMIM 603689.

Allele frequency attached by ClinVar (database versions not stated): ExAC 0.00024; gnomAD 0.00056; 1000 Genomes Project 0.00060; TOPMed 0.00061; 1000 Genomes Project 30x 0.00062; ESP Exome Variant Server 0.00094.
gnomAD v4.1: 168 of 1,561,984 alleles (0.011%); highest among the groups gnomAD compares: African/African-American, 0.18%; 1 homozygote.

Submissions (11):

Labcorp Genetics (formerly Invitae), Labcorp
Classification: Benign for Dilated cardiomyopathy 1G; Autosomal recessive limb-girdle muscular dystrophy type 2J. Last evaluated: 2026-01-31. Review status: criteria provided, single submitter. Criteria: Invitae Variant Classification Sherloc (09022015). Collection method: clinical testing. Allele origin: germline.

Molecular Diagnostic Laboratory for Inherited Cardiovascular Disease, Montreal Heart Institute
Classification: Likely benign. Last evaluated: 2025-07-24. Review status: criteria provided, single submitter. Criteria: ACMG Guidelines, 2015. Collection method: clinical testing. Allele origin: germline. Affected: no.
Comment: BS1

Blueprint Genetics
Classification: Likely benign. Last evaluated: 2024-10-28. Review status: criteria provided, single submitter. Criteria: ACMG Guidelines, 2015. Collection method: clinical testing. Allele origin: germline.

GeneDx
Classification: Likely benign. Last evaluated: 2020-02-10. Review status: criteria provided, single submitter. Criteria: GeneDx Variant Classification Process June 2021. Collection method: clinical testing. Allele origin: germline. Affected: yes.

Athena Diagnostics
Classification: Benign. Last evaluated: 2019-11-07. Review status: criteria provided, single submitter. Criteria: Athena Diagnostics Criteria. Collection method: clinical testing. Allele origin: unknown.

Illumina Laboratory Services, Illumina
Classification: Uncertain significance for Early-onset myopathy with fatal cardiomyopathy. Last evaluated: 2018-01-13. Review status: criteria provided, single submitter. Criteria: ICSL Variant Classification Criteria 13 December 2019. Collection method: clinical testing. Allele origin: germline.

Illumina Laboratory Services, Illumina
Classification: Uncertain significance for Autosomal recessive limb-girdle muscular dystrophy type 2J. Last evaluated: 2018-01-13. Review status: criteria provided, single submitter. Criteria: ICSL Variant Classification Criteria 13 December 2019. Collection method: clinical testing. Allele origin: germline.

Illumina Laboratory Services, Illumina
Classification: Uncertain significance for Dilated cardiomyopathy 1G. Last evaluated: 2018-01-13. Review status: criteria provided, single submitter. Criteria: ICSL Variant Classification Criteria 13 December 2019. Collection method: clinical testing. Allele origin: germline.

Illumina Laboratory Services, Illumina
Classification: Benign for Myopathy, myofibrillar, 9, with early respiratory failure. Last evaluated: 2018-01-13. Review status: criteria provided, single submitter. Criteria: ICSL Variant Classification Criteria 13 December 2019. Collection method: clinical testing. Allele origin: germline.
Comment: This variant was observed in the ICSL laboratory as part of a predisposition screen in an ostensibly healthy population. It had not been previously curated by ICSL or reported in the Human Gene Mutation Database (HGMD: prior to June 1st, 2018), and was therefore a candidate for classification through an automated scoring system. Utilizing variant allele frequency, disease prevalence and penetrance estimates, and inheritance mode, an automated score was calculated to assess if this variant is too frequent to cause the disease. Based on the score and internal cut-off values, a variant classified as benign is not then subjected to further curation. The score for this variant resulted in a classification of benign for this disease.

Illumina Laboratory Services, Illumina
Classification: Benign for Tibial muscular dystrophy. Last evaluated: 2018-01-13. Review status: criteria provided, single submitter. Criteria: ICSL Variant Classification Criteria 13 December 2019. Collection method: clinical testing. Allele origin: germline.
Comment: the same text as in the submission from Illumina Laboratory Services, Illumina above.

PreventionGenetics, part of Exact Sciences
Classification: Likely benign for TTN-related condition. Last evaluated: 2020-12-08. Review status: no assertion criteria provided. Collection method: clinical testing. Allele origin: germline. Not counted in ClinVar's aggregate classification.
Comment: This variant is classified as likely benign based on ACMG/AMP sequence variant interpretation guidelines (Richards et al. 2015 PMID: 25741868, with internal and published modifications).

NM_001267550.2(TTN):c.40634-9A>G

Gene: TTN (titin; minus strand). Cytogenetic location: 2q31.2.
Variant type: single nucleotide variant.
Coding change: c.40634-9A>G on transcript NM_001267550.2 (MANE Select); 9 bases into the intron before coding-DNA position 40634, A replaced by G.
Molecular consequence: intron variant.
Genome position (GRCh38, 1-based): chr2:178,640,639, T>C on the plus strand (A>G on the coding strand, the complement: TTN is on the minus strand). VCF-style: chr2-178640639-T-C. GRCh37 (hg19) VCF-style: chr2-179505366-T-C.
Other names: c.32930-9A>G (NM_133378.4); c.35711-9A>G (NM_001256850.1); c.13439-9A>G (NM_003319.4); c.14015-9A>G (NM_133437.4); c.13814-9A>G (NM_133432.3).
Identifiers: ClinVar variation 332876 (VCV000332876.21), dbSNP rs373511249, ClinGen allele CA1996423.